The following is an entry in ClinVar:

NM_173651.4(FSIP2):c.1131G>A (p.Thr377=)

Gene: FSIP2 (fibrous sheath interacting protein 2; plus strand). Cytogenetic location: 2q32.1.
Variant type: single nucleotide variant.
Coding change: c.1131G>A on transcript NM_173651.4 (MANE Select); coding-DNA position 1131, G replaced by A.
Protein change: p.Thr377=; no amino-acid change (threonine 377 retained).
Molecular consequence: synonymous variant.
Genome position (GRCh38, 1-based): chr2:185,761,040, G>A. VCF-style: chr2-185761040-G-A. GRCh37 (hg19) VCF-style: chr2-186625767-G-A.
Identifiers: ClinVar variation 3055476 (VCV003055476.2), dbSNP rs183605884, ClinGen allele CA2016498.

ClinVar aggregate classification (germline): Benign (0 of 4 stars; one submission).

Conditions:
FSIP2-related disorder. Also called: FSIP2-related condition.

Allele frequency attached by ClinVar (database versions not stated): gnomAD exomes 0.00308; ExAC 0.00514; gnomAD 0.02190; TOPMed 0.02478; 1000 Genomes Project 0.02835; 1000 Genomes Project 30x 0.03029.
gnomAD v4.1: 7,723 of 1,505,202 alleles (0.51%); highest among the groups gnomAD compares: African/African-American, 7%; 201 homozygotes.

Submission:

PreventionGenetics, part of Exact Sciences
Classification: Benign for FSIP2-related condition. Last evaluated: 2019-02-20. Review status: no assertion criteria provided. Collection method: clinical testing. Allele origin: germline.
Comment: This variant is classified as benign based on ACMG/AMP sequence variant interpretation guidelines (Richards et al. 2015 PMID: 25741868, with internal and published modifications).